The following is an entry in ClinVar:

ClinVar aggregate classification (germline): Benign. Review status: criteria provided, multiple submitters, no conflicts (2 of 4 stars). 4 submissions from 4 submitters: Benign (4). Last evaluated 2026-08-01.

Allele frequency attached by ClinVar (database versions not stated): 1000 Genomes Project 0.00300; 1000 Genomes Project 30x 0.00328; TOPMed 0.00669; ESP Exome Variant Server 0.00800; gnomAD 0.01186.
gnomAD v4.1: 15,276 of 1,613,480 alleles (0.95%); highest among the groups gnomAD compares: Non-Finnish European, 1.1%; 98 homozygotes.

Submissions (4):

CeGaT Center for Human Genetics Tuebingen
Classification: Benign. Last evaluated: 2026-08-01. Review status: criteria provided, single submitter. Criteria: CeGaT Center For Human Genetics Tuebingen Variant Classification Criteria Version 2. Collection method: clinical testing. Allele origin: germline. Affected: yes. Observed: 63 variant alleles.
Comment: SLC39A14: BP4, BP7, BS1, BS2

Labcorp Genetics (formerly Invitae), Labcorp
Classification: Benign. Last evaluated: 2026-02-03. Review status: criteria provided, single submitter. Criteria: Invitae Variant Classification Sherloc (09022015). Collection method: clinical testing. Allele origin: germline.

Mayo Clinic Laboratories, Mayo Clinic
Classification: Benign. Last evaluated: 2023-04-20. Review status: criteria provided, single submitter. Criteria: ACMG Guidelines, 2015. Collection method: clinical testing. Allele origin: germline. Observed: 19 variant alleles.
Comment: BS1, BS2, BP4, BP7

Breakthrough Genomics
Classification: Benign. Review status: criteria provided, single submitter. Criteria: ACMG Guidelines, 2015. Collection method: not provided. Allele origin: germline. Inheritance: Autosomal recessive inheritance. Affected: yes.

NM_001128431.4(SLC39A14):c.24G>A (p.Pro8=)

Gene: SLC39A14 (solute carrier family 39 member 14; plus strand). Cytogenetic location: 8p21.3.
Variant type: single nucleotide variant.
Coding change: c.24G>A on transcript NM_001128431.4 (MANE Select); coding-DNA position 24, G replaced by A.
Protein change: p.Pro8=; no amino-acid change (proline 8 retained).
Molecular consequence: synonymous variant.
Genome position (GRCh38, 1-based): chr8:22,404,734, G>A. VCF-style: chr8-22404734-G-A. GRCh37 (hg19) VCF-style: chr8-22262247-G-A.
Other names: p.Pro8=; c.24G>A, p.Pro8= (NM_001135153.3, NM_001135154.3, NM_001351655.2 and 3 more transcripts); c.54G>A, p.Pro18= (NM_001351657.2, NM_001351658.2, NM_001351659.2).
Identifiers: ClinVar variation 708790 (VCV000708790.40), dbSNP rs112568651, ClinGen allele CA4667207.
Genomic context (GRCh38, chr8:22,404,734, plus strand): 5'-CACCTGCCTTTTTCTCTCACAGGTTTATTCAGTCACCATGAAGCTGCTGCTGCTGCACCC[G>A]GCCTTCCAGAGCTGCCTCCTGCTGACCCTGCTTGGCTTATGGAGAACCACCCCTGAGGCT-3'
Protein context (NP_001121903.1, residues 1-18): MKLLLLH[Pro8=]AFQSCLLLTL